The following is an entry in ClinVar:

NM_015330.6(SPECC1L):c.87A>T (p.Glu29Asp)

Genes: SPECC1L (sperm antigen with calponin homology and coiled-coil domains 1 like; plus strand), SPECC1L-ADORA2A (SPECC1L-ADORA2A readthrough (NMD candidate); plus strand). Cytogenetic location: 22q11.23.
Variant type: single nucleotide variant.
Coding change: c.87A>T on transcript NM_015330.6 (MANE Select); coding-DNA position 87, A replaced by T.
Protein change: p.Glu29Asp; replaces glutamic acid 29 with aspartic acid.
Molecular consequence: missense variant. On other transcripts: non-coding transcript variant (1).
Genome position (GRCh38, 1-based): chr22:24,302,318, A>T. VCF-style: chr22-24302318-A-T. GRCh37 (hg19) VCF-style: chr22-24698286-A-T.
Other names: c.87A>T, p.Glu29Asp (NM_001145468.4, NM_001254732.3); c.87A>T (NM_015330.4); short protein forms E29D.
Identifiers: ClinVar variation 501515 (VCV000501515.7), dbSNP rs1556181412, ClinGen allele CA410957491.

ClinVar aggregate classification (germline): Uncertain significance. Review status: criteria provided, single submitter (1 of 4 stars). 2 submissions from 2 submitters: Uncertain significance (1). 1 of the submissions does not count toward it. Last evaluated 2017-04-18.

Conditions:
SPECC1L-related disorder. Also called: SPECC1L-related condition.

Submissions (2):

Eurofins Ntd Llc (ga)
Classification: Uncertain significance. Last evaluated: 2017-04-18. Review status: criteria provided, single submitter. Criteria: EGL Classification Definitions 2015. Collection method: clinical testing. Allele origin: germline. Observed: 1 variant allele, 1 heterozygote.

PreventionGenetics, part of Exact Sciences
Classification: Uncertain significance for SPECC1L-related condition. Last evaluated: 2024-04-18. Review status: no assertion criteria provided. Collection method: clinical testing. Allele origin: germline. Not counted in ClinVar's aggregate classification.
Comment: The SPECC1L c.87A>T variant is predicted to result in the amino acid substitution p.Glu29Asp. To our knowledge, this variant has not been reported in the literature or in a large population database, indicating this variant is rare. At this time, the clinical significance of this variant is uncertain due to the absence of conclusive functional and genetic evidence.